The following is an entry in ClinVar:

ClinVar aggregate classification (germline): Uncertain significance (1 of 4 stars; one submission).

Conditions:
Very long chain acyl-CoA dehydrogenase deficiency (ACADVLD). Also called: Very Long-Chain Acyl-Coenzyme A Dehydrogenase Deficiency; VLCAD Deficiency. Identifiers: Orphanet 26793, MedGen C3887523, MONDO:0008723, OMIM 201475.

gnomAD v4.1: 1 of 1,614,044 alleles (0.000062%); highest among the groups gnomAD compares: Non-Finnish European, 0.000085%; no homozygotes.

Submission:

ARUP Laboratories, Molecular Genetics and Genomics, ARUP Laboratories
Classification: Uncertain significance for Very long chain acyl-CoA dehydrogenase deficiency. Last evaluated: 2019-08-22. Review status: criteria provided, single submitter. Criteria: ARUP Molecular Germline Variant Investigation Process. Collection method: clinical testing. Allele origin: germline.
Comment: The ACADVL c.406C>G; p.Leu136Val variant (rs1460246415), to our knowledge, is not reported in the medical literature or gene-specific databases. This variant is also absent from general population databases (Exome Variant Server, Genome Aggregation Database), indicating it is not a common polymorphism. The leucine at codon 136 is highly conserved and computational analyses (SIFT, PolyPhen-2) predict that this variant is deleterious. Additionally, another amino acid substitution at this codon (p.Leu136Pro) has been reported in an individual with suspected VLCAD deficiency, although it is uncertain whether this variant is disease-causing (Hesse 2018). Given the lack of clinical and functional data, the significance of the p.Leu136Val variant is uncertain at this time. References: Hesse J et al. The diagnostic challenge in very-long chain acyl-CoA dehydrogenase deficiency (VLCADD). J Inherit Metab Dis. 2018 Nov;41(6):1169-1178.

NM_000018.4(ACADVL):c.406C>G (p.Leu136Val)

Gene: ACADVL (acyl-CoA dehydrogenase very long chain; plus strand). Cytogenetic location: 17p13.1.
Variant type: single nucleotide variant.
Coding change: c.406C>G on transcript NM_000018.4 (MANE Select); coding-DNA position 406, C replaced by G.
Protein change: p.Leu136Val; replaces leucine 136 with valine.
Molecular consequence: missense variant.
Genome position (GRCh38, 1-based): chr17:7,220,987, C>G. VCF-style: chr17-7220987-C-G. GRCh37 (hg19) VCF-style: chr17-7124306-C-G.
Other names: c.340C>G, p.Leu114Val (NM_001033859.3); c.475C>G, p.Leu159Val (NM_001270447.2); c.178C>G, p.Leu60Val (NM_001270448.2); short protein forms L114V, L136V, L159V, L60V.
Identifiers: ClinVar variation 994402 (VCV000994402.8), dbSNP rs1460246415, ClinGen allele CA397722839.
Genomic context (GRCh38, chr17:7,220,987, plus strand): 5'-GTGAACGATCCCGCCAAGAATGACGCTCTGGAGATGGTGGAGGAGACCACTTGGCAGGGC[C>G]TCAAGGAGCTGGGGGCCTTTGGTCTGCAAGTGCCCAGTGAGCTGGGTGGTGTGGGCCTTT-3'
Protein context (NP_000009.1, residues 126-146): EMVEETTWQG[Leu136Val]KELGAFGLQV